The following is an entry in ClinVar:

ClinVar aggregate classification (germline): Benign. Review status: criteria provided, multiple submitters, no conflicts (2 of 4 stars). 4 submissions from 4 submitters: Benign (3). 1 of the submissions does not count toward it. Last evaluated 2026-02-01.

Conditions:
MYORG-related disorder. Also called: MYORG-related condition.

Allele frequency attached by ClinVar (database versions not stated): 1000 Genomes Project 30x 0.14101; 1000 Genomes Project 0.14237; TOPMed 0.15109; gnomAD 0.15981 and 0.15766; ESP Exome Variant Server 0.15848; ExAC 0.18292; gnomAD exomes 0.18332 and 0.20677.
gnomAD v4.1: 325,461 of 1,613,004 alleles (20%); highest among the groups gnomAD compares: South Asian, 25%; 34,696 homozygotes.

Submissions (5):

Labcorp Genetics (formerly Invitae), Labcorp
Classification: Benign. Last evaluated: 2026-02-01. Review status: criteria provided, single submitter. Criteria: Invitae Variant Classification Sherloc (09022015). Collection method: clinical testing. Allele origin: germline.

GeneDx
Classification: Benign. Last evaluated: 2021-05-04. Review status: criteria provided, single submitter. Criteria: GeneDx Variant Classification Process June 2021. Collection method: clinical testing. Allele origin: germline. Affected: yes.

Breakthrough Genomics
Classification: Benign. Review status: criteria provided, single submitter. Criteria: ACMG Guidelines, 2015. Collection method: not provided. Allele origin: germline. Inheritance: Autosomal recessive inheritance. Affected: yes.

PreventionGenetics, part of Exact Sciences
Classification: Benign for MYORG-related condition. Last evaluated: 2019-10-18. Review status: no assertion criteria provided. Collection method: clinical testing. Allele origin: germline. Not counted in ClinVar's aggregate classification.
Comment: This variant is classified as benign based on ACMG/AMP sequence variant interpretation guidelines (Richards et al. 2015 PMID: 25741868, with internal and published modifications).

Dr. Peter K. Rogan Lab, Western University
No classification provided (evidence only). Condition: Uterine carcinosarcoma. Review status: no classification provided. Collection method: in vitro. Allele origin: not applicable. Functional consequence: retained intron. Not counted in ClinVar's aggregate classification.

NM_020702.5(MYORG):c.11A>T (p.Asn4Ile)

Gene: MYORG (myogenesis regulating glycosidase; minus strand). Cytogenetic location: 9p13.3.
Variant type: single nucleotide variant.
Coding change: c.11A>T on transcript NM_020702.5 (MANE Select); coding-DNA position 11, A replaced by T.
Protein change: p.Asn4Ile; replaces asparagine 4 with isoleucine.
Molecular consequence: missense variant.
Genome position (GRCh38, 1-based): chr9:34,372,933, T>A on the plus strand (A>T on the coding strand, the complement: MYORG is on the minus strand). VCF-style: chr9-34372933-T-A. GRCh37 (hg19) VCF-style: chr9-34372931-T-A.
Other names: short protein forms N4I.
Identifiers: ClinVar variation 1164255 (VCV001164255.14), dbSNP rs2297776, ClinGen allele CA5033272.